The following is an entry in ClinVar:

ClinVar aggregate classification (germline): Benign/Likely benign. Review status: criteria provided, multiple submitters, no conflicts (2 of 4 stars). 5 submissions from 5 submitters: Benign (4); Likely benign (1). Last evaluated 2026-02-02.

Conditions:
Primary familial hypertrophic cardiomyopathy (HCM). Identifiers: Orphanet 99739, MedGen C0949658, MeSH D024741, MONDO:0024573. Inheritance: Various modes of inheritance.
Dilated cardiomyopathy 1AA (CMD1AA). Also called: CARDIOMYOPATHY, DILATED, 1AA, WITH OR WITHOUT LEFT VENTRICULAR NONCOMPACTION; CARDIOMYOPATHY, FAMILIAL HYPERTROPHIC, 23, WITH OR WITHOUT LEFT VENTRICULAR NONCOMPACTION; Cardiomyopathy, dilated, 1AA, with or without LVNC. Identifiers: Orphanet 154, MedGen C2677338, MONDO:0012808, OMIM 612158.

Allele frequency attached by ClinVar (database versions not stated): TOPMed 0.00084; gnomAD 0.00086 and 0.00098; ESP Exome Variant Server 0.00108; 1000 Genomes Project 30x 0.00016; gnomAD exomes 0.00016; 1000 Genomes Project 0.00020; ExAC 0.00037.
gnomAD v4.1: 223 of 1,477,716 alleles (0.015%); highest among the groups gnomAD compares: African/African-American, 0.29%; no homozygotes.

Submissions (5):

Labcorp Genetics (formerly Invitae), Labcorp
Classification: Benign for Primary familial hypertrophic cardiomyopathy; Dilated cardiomyopathy 1AA. Last evaluated: 2026-02-02. Review status: criteria provided, single submitter. Criteria: Invitae Variant Classification Sherloc (09022015). Collection method: clinical testing. Allele origin: germline.

ARUP Laboratories, Molecular Genetics and Genomics, ARUP Laboratories
Classification: Benign. Last evaluated: 2024-10-17. Review status: criteria provided, single submitter. Criteria: ARUP Molecular Germline Variant Investigation Process 2024. Collection method: clinical testing. Allele origin: germline.

Blueprint Genetics
Classification: Likely benign. Last evaluated: 2024-10-03. Review status: criteria provided, single submitter. Criteria: ACMG Guidelines, 2015. Collection method: clinical testing. Allele origin: germline.

Women's Health and Genetics/Laboratory Corporation of America, LabCorp
Classification: Benign. Last evaluated: 2021-04-15. Review status: criteria provided, single submitter. Criteria: LabCorp Variant Classification Summary - May 2015. Collection method: clinical testing. Allele origin: germline.
Comment: Variant summary: ACTN2 c.126+14C>T alters a non-conserved nucleotide located close to a canonical splice site and therefore could affect mRNA splicing, leading to a significantly altered protein sequence. 4/4 computational tools predict no significant impact on normal splicing. However, these predictions have yet to be confirmed by functional studies. The variant allele was found at a frequency of 0.00016 in 165206 control chromosomes, predominantly at a frequency of 0.003 within the African or African-American subpopulation in the gnomAD database. The observed variant frequency within African or African-American control individuals in the gnomAD database is approximately 120 fold of the estimated maximal expected allele frequency for a pathogenic variant in ACTN2 causing Cardiomyopathy phenotype (2.5e-05), strongly suggesting that the variant is a benign polymorphism found primarily in populations of African or African-American origin. To our knowledge, no occurrence of c.126+14C>T in individuals affected with Cardiomyopathy and no experimental evidence demonstrating its impact on protein function have been reported. No clinical diagnostic laboratories have submitted clinical-significance assessments for this variant to ClinVar after 2014. Based on the evidence outlined above, the variant was classified as benign.

GeneDx
Classification: Benign. Last evaluated: 2014-10-02. Review status: criteria provided, single submitter. Criteria: GeneDx Variant Classification (06012015). Collection method: clinical testing. Allele origin: germline. Affected: yes.
Comment: This variant is considered likely benign or benign based on one or more of the following criteria: it is a conservative change, it occurs at a poorly conserved position in the protein, it is predicted to be benign by multiple in silico algorithms, and/or has population frequency not consistent with disease.

NM_001103.4(ACTN2):c.126+14C>T

Gene: ACTN2 (actinin alpha 2; plus strand). Cytogenetic location: 1q43.
Variant type: single nucleotide variant.
Coding change: c.126+14C>T on transcript NM_001103.4 (MANE Select); 14 bases into the intron after coding-DNA position 126, C replaced by T.
Molecular consequence: intron variant.
Genome position (GRCh38, 1-based): chr1:236,686,813, C>T. VCF-style: chr1-236686813-C-T. GRCh37 (hg19) VCF-style: chr1-236850113-C-T.
Other names: c.-696+14C>T (NM_001278344.2); c.126+14C>T (NM_001278343.2).
Identifiers: ClinVar variation 201625 (VCV000201625.12), dbSNP rs373269478, ClinGen allele CA335002.
Genomic context (GRCh38, chr1:236,686,813, plus strand): 5'-ACCGCGACCTGCTCCTGGACCCAGCCTGGGAGAAGCAGCAGAGGAAGGTCAGCAGGGGCC[C>T]GCGGGCCGCCCGCGCGTGGTGGGGCCGGGTCCCCCGCGGGGCTCCCGTGCGCGTGGCCGC-3'